The following is an entry in ClinVar:

NM_001369369.1(FOXN1):c.174G>C (p.Glu58Asp)

Gene: FOXN1 (forkhead box N1; plus strand). Cytogenetic location: 17q11.2.
Variant type: single nucleotide variant.
Coding change: c.174G>C on transcript NM_001369369.1 (MANE Select); coding-DNA position 174, G replaced by C.
Protein change: p.Glu58Asp; replaces glutamic acid 58 with aspartic acid.
Molecular consequence: missense variant.
Genome position (GRCh38, 1-based): chr17:28,524,553, G>C. VCF-style: chr17-28524553-G-C. GRCh37 (hg19) VCF-style: chr17-26851571-G-C.
Other names: c.174G>C, p.Glu58Asp (NM_003593.3); short protein forms E58D.
Identifiers: ClinVar variation 3606102 (VCV003606102.3).
Genomic context (GRCh38, chr17:28,524,553, plus strand): 5'-GTCTACCCAGAAGCATGCCGGCTTCAGCTGCTCGTCATTTGTGTCCGACGGCCCTCCAGA[G>C]AGGACACCCTCACTGCCCCCACACAGCCCCCGCATTGCGTCACCAGGGCCCGAGCAAGTC-3'
Protein context (NP_001356298.1, residues 48-68): CSSFVSDGPP[Glu58Asp]RTPSLPPHSP

ClinVar aggregate classification (germline): Uncertain significance. Review status: criteria provided, multiple submitters, no conflicts (2 of 4 stars). 2 submissions from 2 submitters: Uncertain significance (2). Last evaluated 2025-08-21.

Conditions:
Inborn genetic diseases. Identifiers: MedGen C0950123, MeSH D030342.
T-cell immunodeficiency, congenital alopecia, and nail dystrophy. Also called: Congenital alopecia and nail dystrophy associated with severe functional T-cell immunodeficiency; Pignata Guarino syndrome. Identifiers: Orphanet 169095, MedGen C1866426, MONDO:0011132, OMIM 601705.

gnomAD v4.1: 9 of 1,613,612 alleles (0.00056%); highest among the groups gnomAD compares: African/African-American, 0.0027%; no homozygotes.

Submissions (2):

Ambry Genetics
Classification: Uncertain significance for Inborn genetic diseases. Last evaluated: 2025-08-21. Review status: criteria provided, single submitter. Criteria: Ambry Variant Classification Scheme 2023. Collection method: clinical testing. Allele origin: germline.

Labcorp Genetics (formerly Invitae), Labcorp
Classification: Uncertain significance for T-cell immunodeficiency, congenital alopecia, and nail dystrophy. Last evaluated: 2024-03-10. Review status: criteria provided, single submitter. Criteria: Invitae Variant Classification Sherloc (09022015). Collection method: clinical testing. Allele origin: germline.
Comment: This sequence change replaces glutamic acid, which is acidic and polar, with aspartic acid, which is acidic and polar, at codon 58 of the FOXN1 protein (p.Glu58Asp). This variant is present in population databases (rs199685259, gnomAD 0.004%). This variant has not been reported in the literature in individuals affected with FOXN1-related conditions. Advanced modeling of protein sequence and biophysical properties (such as structural, functional, and spatial information, amino acid conservation, physicochemical variation, residue mobility, and thermodynamic stability) performed at Invitae indicates that this missense variant is not expected to disrupt FOXN1 protein function with a negative predictive value of 80%. In summary, the available evidence is currently insufficient to determine the role of this variant in disease. Therefore, it has been classified as a Variant of Uncertain Significance.